The following is an entry in ClinVar:

NM_001003722.2(GLE1):c.2084T>C (p.Phe695Ser)

Genes: GLE1 (GLE1 RNA export mediator; plus strand), LOC101929270 (uncharacterized LOC101929270; minus strand). Cytogenetic location: 9q34.11.
Variant type: single nucleotide variant.
Coding change: c.2084T>C on transcript NM_001003722.2 (MANE Select); coding-DNA position 2084, T replaced by C.
Protein change: p.Phe695Ser; replaces phenylalanine 695 with serine.
Molecular consequence: missense variant.
Genome position (GRCh38, 1-based): chr9:128,541,157, T>C. VCF-style: chr9-128541157-T-C. GRCh37 (hg19) VCF-style: chr9-131303436-T-C.
Other names: short protein forms F695S.
Identifiers: ClinVar variation 384541 (VCV000384541.7), dbSNP rs762503273, ClinGen allele CA5264068.

ClinVar aggregate classification (germline): Conflicting classifications of pathogenicity. Review status: criteria provided, conflicting classifications (1 of 4 stars). 2 submissions from 2 submitters: Likely pathogenic (1); Uncertain significance (1). Last evaluated 2026-05-26.

Allele frequency attached by ClinVar (database versions not stated): gnomAD exomes 0.00001 and below 0.00001; ExAC 0.00001; TOPMed 0.00001.
gnomAD v4.1: 4 of 1,573,972 alleles (0.00025%); highest among the groups gnomAD compares: Non-Finnish European, 0.00035%; no homozygotes.

Submissions (2):

Women's Health and Genetics/Laboratory Corporation of America, LabCorp
Classification: Uncertain significance. Last evaluated: 2026-05-26. Review status: criteria provided, single submitter. Criteria: LabCorp Variant Classification Summary - May 2015. Collection method: clinical testing. Allele origin: germline.
Comment: Variant summary: GLE1 c.2084T>C (p.Phe695Ser) results in a non-conservative amino acid change in the encoded protein sequence. Algorithms developed to predict the effect of missense changes on protein structure and function all suggest that this variant is likely to be disruptive. The variant allele was found at a frequency of 8e-06 in 251436 control chromosomes. The available data on variant occurrences in the general population are insufficient to allow any conclusion about variant significance. c.2084T>C has been observed in at least 1 individual(s) undergoing clinical exome testing (example Al-Dewik_2019), without strong evidence for causality. These report(s) do not provide unequivocal conclusions about association of the variant with disease. To our knowledge, no experimental evidence demonstrating an impact on protein function has been reported. The following publication has been ascertained in the context of this evaluation (PMID: 30919572). ClinVar contains an entry for this variant (Variation ID: 384541). Based on the evidence outlined above, the variant was classified as uncertain significance.

GeneDx
Classification: Likely pathogenic. Last evaluated: 2023-03-07. Review status: criteria provided, single submitter. Criteria: GeneDx Variant Classification Process June 2021. Collection method: clinical testing. Allele origin: germline. Affected: yes.
Comment: Observed in homozygous state in a patient with non-immune hydrops, edema, cystic hygroma, bilateral talipes, echogenic bowel, and echogenic kidneys in the literature (Al-Dewik et al., 2019) and not observed in homozygous state in controls; In silico analysis supports that this missense variant has a deleterious effect on protein structure/function; Not observed at significant frequency in large population cohorts (gnomAD); This variant is associated with the following publications: (PMID: 31589614, 30919572)

Literature cited by the submitters: PubMed 30919572 (cited by Women's Health and Genetics/Laboratory Corporation of America, LabCorp).